The following is an entry in ClinVar:

ClinVar aggregate classification (germline): Conflicting classifications of pathogenicity. Review status: criteria provided, conflicting classifications (1 of 4 stars). 5 submissions from 5 submitters: Uncertain significance (2); Likely benign (3). Last evaluated 2026-06-11.

Conditions:
APC-related disorder. Also called: APC-related condition.
Hereditary cancer-predisposing syndrome. Also called: Tumor predisposition; Hereditary neoplastic syndrome; Neoplastic Syndromes, Hereditary; Hereditary Cancer Syndrome. Identifiers: Orphanet 140162, MedGen C0027672, MeSH D009386, MONDO:0015356.
Familial adenomatous polyposis 1 (FAP1). Also called: POLYPOSIS, ADENOMATOUS INTESTINAL; FAMILIAL ADENOMATOUS POLYPOSIS 1, ATTENUATED. Identifiers: MedGen C2713442, MONDO:0021056, OMIM 175100. Disease mechanism: loss of function.

Allele frequency attached by ClinVar (database versions not stated): TOPMed 0.00006.
gnomAD v4.1: 88 of 1,003,868 alleles (0.0088%); highest among the groups gnomAD compares: Non-Finnish European, 0.0098%; no homozygotes.

Submissions (5):

PreventionGenetics, part of Exact Sciences
Classification: Uncertain significance for APC-related condition. Last evaluated: 2026-06-11. Review status: criteria provided, single submitter. Criteria: ACMG Guidelines, 2015. Collection method: clinical testing. Allele origin: germline.
Comment: The APC c.-30352G>T variant is located in the 5' untranslated region. This variant is also known as c.-126G>T on the promoter 1B transcript NM_001127511.2. To our knowledge, it has not been reported in the literature. This variant is reported in 0.0065% of alleles in individuals of European (Non-Finnish) descent in gnomAD and has conflicting interpretations in ClinVar ranging from likely benign to uncertain (Variation ID: 469827). Although we suspect that this variant may be benign, at this time, the clinical significance of this variant is uncertain due to the absence of conclusive functional and genetic evidence.

Labcorp Genetics (formerly Invitae), Labcorp
Classification: Likely benign for Familial adenomatous polyposis 1. Last evaluated: 2026-01-19. Review status: criteria provided, single submitter. Criteria: Invitae Variant Classification Sherloc (09022015). Collection method: clinical testing. Allele origin: germline.

Center for Genomic Medicine, Rigshospitalet, Copenhagen University Hospital
Classification: Likely benign. Last evaluated: 2025-03-04. Review status: criteria provided, single submitter. Criteria: ACMG Guidelines, 2015. Collection method: clinical testing. Allele origin: germline.

Color Diagnostics, LLC DBA Color Health
Classification: Uncertain significance for Hereditary cancer-predisposing syndrome. Last evaluated: 2024-01-31. Review status: criteria provided, single submitter. Criteria: ACMG Guidelines, 2015. Collection method: clinical testing. Allele origin: germline.
Comment: This variant, also known as NM_001127511.3:c.-126G>T, is located in the 5' untranslated region of an alternative transcript of the APC gene. To our knowledge, RNA studies have not been reported for this variant. This variant has not been reported in individuals affected with APC-related disorders in the literature. This variant has not been identified in the general population by the Genome Aggregation Database (gnomAD). The available evidence is insufficient to determine the role of this variant in disease conclusively. Therefore, this variant is classified as a Variant of Uncertain Significance.

GeneDx
Classification: Likely benign. Last evaluated: 2020-12-30. Review status: criteria provided, single submitter. Criteria: GeneDx Variant Classification Process June 2021. Collection method: clinical testing. Allele origin: germline. Affected: yes.
Comment: Has not been previously published as pathogenic or benign to our knowledge; No data available from control populations to assess the frequency of this variant

NM_001127511.3(APC):c.-126G>T

Gene: APC (APC regulator of Wnt signaling pathway; plus strand). Cytogenetic location: 5q22.2.
Variant type: single nucleotide variant.
Coding change: c.-126G>T on transcript NM_001127511.3; 126 bases upstream of the start codon, G replaced by T.
Molecular consequence: 5 prime UTR variant. On other transcripts: non-coding transcript variant (2), genic upstream transcript variant (1).
Genome position (GRCh38, 1-based): chr5:112,707,592, G>T. VCF-style: chr5-112707592-G-T. GRCh37 (hg19) VCF-style: chr5-112043289-G-T.
Other names: c.-309G>T (NM_001354895.2, NM_001407447.1, NM_001407452.1 and 3 more transcripts); c.-126G>T (NM_001354897.2, NM_001354902.2, NM_001407446.1); c.-76G>T (NM_001407448.1, NM_001407450.1, NM_001407457.1 and 1 more transcripts); c.-100G>T (NM_001407453.1); c.-1344G>T (NM_001407470.1, NM_001407472.1); c.-30352G>T (NM_000038.6).
Identifiers: ClinVar variation 469827 (VCV000469827.22), dbSNP rs948080320, ClinGen allele CA124925003.